The following is an entry in ClinVar:

NM_001142966.3(GREB1L):c.1663G>A (p.Val555Met)

Genes: GREB1L (GREB1 like retinoic acid receptor coactivator; plus strand), GREB1L-AS1 (GREB1L antisense RNA 1; minus strand). Cytogenetic location: 18q11.1.
Variant type: single nucleotide variant.
Coding change: c.1663G>A on transcript NM_001142966.3 (MANE Select); coding-DNA position 1663, G replaced by A.
Protein change: p.Val555Met; replaces valine 555 with methionine.
Molecular consequence: missense variant. On other transcripts: intron variant (1).
Genome position (GRCh38, 1-based): chr18:21,449,779, G>A. VCF-style: chr18-21449779-G-A. GRCh37 (hg19) VCF-style: chr18-19029740-G-A.
Other names: c.1792G>A, p.Val598Met (NM_001410867.1); c.1394-1244G>A (NM_001410868.1); short protein forms V555M, V598M.
Identifiers: ClinVar variation 4993984 (VCV004993984.1).

ClinVar aggregate classification (germline): Uncertain significance (1 of 4 stars; one submission).

Conditions:
GREB1L-related disorder. Also called: GREB1L-related condition.

gnomAD v4.1: 1 of 1,550,158 alleles (0.000065%); highest among the groups gnomAD compares: Non-Finnish European, 0.000087%; no homozygotes.

Submission:

PreventionGenetics, part of Exact Sciences
Classification: Uncertain significance for GREB1L-related condition. Last evaluated: 2026-04-13. Review status: criteria provided, single submitter. Criteria: ACMG Guidelines, 2015. Collection method: clinical testing. Allele origin: germline.
Comment: The GREB1L c.1663G>A variant is predicted to result in the amino acid substitution p.Val555Met. To our knowledge, this variant has not been reported in the literature or in a large population database (gnomAD), indicating this variant is rare. At this time, the clinical significance of this variant is uncertain due to the absence of conclusive functional and genetic evidence.